The following is an entry in ClinVar:

ClinVar aggregate classification (germline): Uncertain significance (1 of 4 stars; one submission).

gnomAD v4.1: 1 of 1,614,044 alleles (0.000062%); highest among the groups gnomAD compares: Non-Finnish European, 0.000085%; no homozygotes.

Submission:

Labcorp Genetics (formerly Invitae), Labcorp
Classification: Uncertain significance. Last evaluated: 2022-06-04. Review status: criteria provided, single submitter. Criteria: Invitae Variant Classification Sherloc (09022015). Collection method: clinical testing. Allele origin: germline.
Comment: In summary, the available evidence is currently insufficient to determine the role of this variant in disease. Therefore, it has been classified as a Variant of Uncertain Significance. This sequence change replaces aspartic acid, which is acidic and polar, with asparagine, which is neutral and polar, at codon 203 of the FAN1 protein (p.Asp203Asn). This variant is not present in population databases (gnomAD no frequency). This variant has not been reported in the literature in individuals affected with FAN1-related conditions. Algorithms developed to predict the effect of missense changes on protein structure and function are either unavailable or do not agree on the potential impact of this missense change (SIFT: "Tolerated"; PolyPhen-2: "Possibly Damaging"; Align-GVGD: "Class C0").

NM_014967.5(FAN1):c.607G>A (p.Asp203Asn)

Gene: FAN1 (FANCD2 and FANCI associated nuclease 1; plus strand). Cytogenetic location: 15q13.3.
Variant type: single nucleotide variant.
Coding change: c.607G>A on transcript NM_014967.5 (MANE Select); coding-DNA position 607, G replaced by A.
Protein change: p.Asp203Asn; replaces aspartic acid 203 with asparagine.
Molecular consequence: missense variant.
Genome position (GRCh38, 1-based): chr15:30,905,270, G>A. VCF-style: chr15-30905270-G-A. GRCh37 (hg19) VCF-style: chr15-31197473-G-A.
Other names: c.607G>A, p.Asp203Asn (NM_001146094.2, NM_001146095.1, NM_001146096.2); short protein forms D203N.
Identifiers: ClinVar variation 2022287 (VCV002022287.4), dbSNP rs2542576562, ClinGen allele CA391522490.